The following is an entry in ClinVar:

ClinVar aggregate classification (germline): Uncertain significance. Review status: reviewed by expert panel (3 of 4 stars). 3 submissions from 3 submitters: Uncertain significance (1). 2 of the submissions do not count toward it. Last evaluated 2025-09-29.

Conditions:
AIPL1-related retinopathy. Also called: AIPL1 retinopathy. Identifiers: MedGen CN305590, MONDO:0100438.
Inborn genetic diseases. Identifiers: MedGen C0950123, MeSH D030342.
Leber congenital amaurosis 4 (LCA4). Identifiers: MedGen C1858386, MONDO:0011458, OMIM 604393.

Allele frequency attached by ClinVar (database versions not stated): TOPMed below 0.00001.
gnomAD v4.1: 1 of 1,613,990 alleles (0.000062%); highest among the groups gnomAD compares: Non-Finnish European, 0.000085%; no homozygotes.

Submissions (3):

ClinGen Leber Congenital Amaurosis/early Onset Retinal Dystrophy Variant Curation Expert Panel, ClinGen
Classification: Uncertain significance for AIPL1-related retinopathy. Last evaluated: 2025-09-29. Review status: reviewed by expert panel. Criteria: ClinGen LCAeoRD ACMG Specifications AIPL1 V1.0.0. Collection method: curation. Allele origin: germline. Inheritance: Autosomal recessive inheritance.
Comment: NM_014336.5(AIPL1):c.172C>A (p.Pro58Thr) is a missense variant replacing the proline at position p.58 with threonine. This variant is present in gnomAD v.4.1.0 with a total frequency of 6.196e-7 with 1 allele /1613990 total alleles, which is lower than the ClinGen LCA / eoRD VCEP PM2_Supporting threshold of <0.0004 (PM2_Supporting). The computational predictor REVEL gives a score of 0.800, which is above the ClinGen LCA / eoRD VCEP threshold of ≥0.774 and predicts a damaging effect on AIPL1 (PP3_Moderate). In summary, this variant meets the criteria to be classified as a VUS for AIPL1-related retinopathy based on the ACMG/AMP criteria applied, as specified by the ClinGen LCA/eoRD VCEP: PM2_Supporting and PP3_Moderate. (VCEP specifications version 1.0.0; date of approval 09/24/2025).

Ambry Genetics
Classification: Uncertain significance for Inborn genetic diseases. Last evaluated: 2024-01-09. Review status: criteria provided, single submitter. Criteria: Ambry Variant Classification Scheme 2023. Collection method: clinical testing. Allele origin: germline. Not counted in ClinVar's aggregate classification.

Labcorp Genetics (formerly Invitae), Labcorp
Classification: Uncertain significance for Leber congenital amaurosis 4. Last evaluated: 2021-09-01. Review status: criteria provided, single submitter. Criteria: Invitae Variant Classification Sherloc (09022015). Collection method: clinical testing. Allele origin: germline. Not counted in ClinVar's aggregate classification.
Comment: This sequence change replaces proline with threonine at codon 58 of the AIPL1 protein (p.Pro58Thr). The proline residue is highly conserved and there is a small physicochemical difference between proline and threonine. This variant is not present in population databases (ExAC no frequency). This variant has not been reported in the literature in individuals affected with AIPL1-related conditions. Algorithms developed to predict the effect of missense changes on protein structure and function are either unavailable or do not agree on the potential impact of this missense change (SIFT: "Deleterious"; PolyPhen-2: "Probably Damaging"; Align-GVGD: "Class C0"). In summary, the available evidence is currently insufficient to determine the role of this variant in disease. Therefore, it has been classified as a Variant of Uncertain Significance.

NM_014336.5(AIPL1):c.172C>A (p.Pro58Thr)

Gene: AIPL1 (AIP like 1 HSP90 co-chaperone; minus strand). Cytogenetic location: 17p13.2.
Variant type: single nucleotide variant.
Coding change: c.172C>A on transcript NM_014336.5 (MANE Select); coding-DNA position 172, C replaced by A.
Protein change: p.Pro58Thr; replaces proline 58 with threonine.
Molecular consequence: missense variant. On other transcripts: intron variant (1).
Genome position (GRCh38, 1-based): chr17:6,434,023, G>T on the plus strand (C>A on the coding strand, the complement: AIPL1 is on the minus strand). VCF-style: chr17-6434023-G-T. GRCh37 (hg19) VCF-style: chr17-6337343-G-T.
Other names: NM_014336.5(AIPL1):c.172C>A; p.Pro58Thr; c.172C>A (NM_014336.3); c.172C>A, p.Pro58Thr (NM_001033054.3, NM_001285401.3, NM_001285403.4); c.136C>A, p.Pro46Thr (NM_001285399.3); c.106C>A, p.Pro36Thr (NM_001285400.3); c.55C>A, p.Pro19Thr (NM_001285402.2); c.96+986C>A (NM_001033055.3); short protein forms P36T, P58T, P46T, P19T.
Identifiers: ClinVar variation 1364499 (VCV001364499.6), dbSNP rs1442681009, ClinGen allele CA397397502.